The following is an entry in ClinVar:

ClinVar aggregate classification (germline): Likely benign. Review status: criteria provided, multiple submitters, no conflicts (2 of 4 stars). 2 submissions from 2 submitters: Likely benign (2). Last evaluated 2025-08-07.

Conditions:
Charcot-Marie-Tooth disease type 4. Also called: Charcot-Marie-Tooth disease, type IV; Charcot-Marie-Tooth, Type 4. Identifiers: Orphanet 64749, MedGen C4082197, MONDO:0018995.

Allele frequency attached by ClinVar (database versions not stated): TOPMed below 0.00001; 1000 Genomes Project 0.00020; 1000 Genomes Project 30x 0.00031.
gnomAD v4.1: 47 of 1,614,060 alleles (0.0029%); highest among the groups gnomAD compares: South Asian, 0.048%; no homozygotes.

Submissions (2):

Mayo Clinic Laboratories, Mayo Clinic
Classification: Likely benign. Last evaluated: 2025-08-07. Review status: criteria provided, single submitter. Criteria: ACMG Guidelines, 2015. Collection method: clinical testing. Allele origin: germline. Observed: 1 variant allele.
Comment: BP4, BP7

Labcorp Genetics (formerly Invitae), Labcorp
Classification: Likely benign for Charcot-Marie-Tooth disease type 4. Last evaluated: 2025-06-02. Review status: criteria provided, single submitter. Criteria: Invitae Variant Classification Sherloc (09022015). Collection method: clinical testing. Allele origin: germline.

NM_006096.4(NDRG1):c.537+8G>T

Gene: NDRG1 (N-myc downstream regulated 1; minus strand). Cytogenetic location: 8q24.22.
Variant type: single nucleotide variant.
Coding change: c.537+8G>T on transcript NM_006096.4 (MANE Select); 8 bases into the intron after coding-DNA position 537, G replaced by T.
Molecular consequence: intron variant. On other transcripts: missense variant (1).
Genome position (GRCh38, 1-based): chr8:133,256,769, C>A on the plus strand (G>T on the coding strand, the complement: NDRG1 is on the minus strand). VCF-style: chr8-133256769-C-A. GRCh37 (hg19) VCF-style: chr8-134269012-C-A.
Other names: p.?; c.545G>T, p.Trp182Leu (NM_001374844.1); c.339+8G>T (NM_001258432.2, NM_001374847.1); c.294+8G>T (NM_001258433.2); c.537+8G>T (NM_001135242.2, NM_001374845.1, NM_001374846.1); short protein forms W182L.
Identifiers: ClinVar variation 1082200 (VCV001082200.10), dbSNP rs537844639, ClinGen allele CA4886718.